The following is an entry in ClinVar:

ClinVar aggregate classification (germline): Conflicting classifications of pathogenicity. Review status: criteria provided, conflicting classifications (1 of 4 stars). 6 submissions from 6 submitters: Uncertain significance (1); Likely benign (3). 2 of the submissions do not count toward it. Last evaluated 2025-12-20.

Conditions:
Maple syrup urine disease type 1A (MSUD1A). Also called: MSUD type 1A. Identifiers: MedGen C1855369, MONDO:0023691, OMIM 248600.
Maple syrup urine disease (MSUD). Identifiers: Orphanet 511, MedGen C0024776, MeSH D008375, MONDO:0009563. Disease mechanism: loss of function.
BCKDHA-related disorder. Also called: BCKDHA-related condition.
Inborn genetic diseases. Identifiers: MedGen C0950123, MeSH D030342.

Allele frequency attached by ClinVar (database versions not stated): ExAC 0.00009; gnomAD exomes 0.00010; 1000 Genomes Project 30x 0.00016; 1000 Genomes Project 0.00020; ESP Exome Variant Server 0.00023; gnomAD 0.00026 and 0.00029; TOPMed 0.00046.

Submissions (6):

Labcorp Genetics (formerly Invitae), Labcorp
Classification: Likely benign for Maple syrup urine disease. Last evaluated: 2025-12-20. Review status: criteria provided, single submitter. Criteria: Invitae Variant Classification Sherloc (09022015). Collection method: clinical testing. Allele origin: germline.

Genome-Nilou Lab
Classification: Likely benign for Maple syrup urine disease type 1A. Last evaluated: 2021-11-07. Review status: criteria provided, single submitter. Criteria: ACMG Guidelines, 2015. Collection method: clinical testing. Allele origin: germline. Affected: no.

Ambry Genetics
Classification: Likely benign for Inborn genetic diseases. Last evaluated: 2020-06-25. Review status: criteria provided, single submitter. Criteria: Ambry Variant Classification Scheme 2023. Collection method: clinical testing. Allele origin: germline.

Illumina Laboratory Services, Illumina
Classification: Uncertain significance for Maple syrup urine disease type 1A. Last evaluated: 2018-01-12. Review status: criteria provided, single submitter. Criteria: ICSL Variant Classification Criteria 13 December 2019. Collection method: clinical testing. Allele origin: germline.

PreventionGenetics, part of Exact Sciences
Classification: Likely benign for BCKDHA-related condition. Last evaluated: 2022-10-10. Review status: no assertion criteria provided. Collection method: clinical testing. Allele origin: germline. Not counted in ClinVar's aggregate classification.
Comment: This variant is classified as likely benign based on ACMG/AMP sequence variant interpretation guidelines (Richards et al. 2015 PMID: 25741868, with internal and published modifications).

Natera, Inc.
Classification: Likely benign for Maple syrup urine disease type 1A. Last evaluated: 2020-05-05. Review status: no assertion criteria provided. Collection method: clinical testing. Allele origin: germline. Not counted in ClinVar's aggregate classification.

NM_000709.4(BCKDHA):c.294G>A (p.Pro98=)

Gene: BCKDHA (branched chain keto acid dehydrogenase E1 subunit alpha; plus strand). Cytogenetic location: 19q13.2.
Variant type: single nucleotide variant.
Coding change: c.294G>A on transcript NM_000709.4 (MANE Select); coding-DNA position 294, G replaced by A.
Protein change: p.Pro98=; no amino-acid change (proline 98 retained).
Molecular consequence: synonymous variant.
Genome position (GRCh38, 1-based): chr19:41,410,928, G>A. VCF-style: chr19-41410928-G-A. GRCh37 (hg19) VCF-style: chr19-41916833-G-A.
Other names: c.294G>A, p.Pro98= (NM_001164783.2).
Identifiers: ClinVar variation 709510 (VCV000709510.22), dbSNP rs142967869, ClinGen allele CA9461081.
Genomic context (GRCh38, chr19:41,410,928, plus strand): 5'-CCTGTCTCCTCTCTGGTCCCAACTGCCCCACGTCTATCTGTGCCTCCACCCGCAGCTGCC[G>A]AAGGAGAAGGTGCTGAAGCTCTACAAGAGCATGACACTGCTTAACACCATGGACCGCATC-3'
Protein context (NP_000700.1, residues 88-108): IINPSEDPHL[Pro98=]KEKVLKLYKS